The following is an entry in ClinVar:

ClinVar aggregate classification (germline): Uncertain significance. Review status: criteria provided, multiple submitters, no conflicts (2 of 4 stars). 2 submissions from 2 submitters: Uncertain significance (2). Last evaluated 2025-11-05.

Conditions:
Oligodontia-cancer predisposition syndrome. Also called: TOOTH AGENESIS-COLORECTAL CANCER SYNDROME. Identifiers: Orphanet 300576, MedGen C1837750, MONDO:0012075, OMIM 608615. Disease mechanism: loss of function.
Hereditary cancer-predisposing syndrome. Also called: Neoplastic Syndromes, Hereditary; Tumor predisposition; Hereditary Cancer Syndrome; Hereditary neoplastic syndrome. Identifiers: Orphanet 140162, MedGen C0027672, MeSH D009386, MONDO:0015356.

Submissions (2):

Ambry Genetics
Classification: Uncertain significance for Hereditary cancer-predisposing syndrome. Last evaluated: 2025-11-05. Review status: criteria provided, single submitter. Criteria: Ambry Variant Classification Scheme 2023. Collection method: clinical testing. Allele origin: germline.
Comment: The p.M1? variant (also known as c.3G>T), located in coding exon 1 of the AXIN2 gene, results from an G to T substitution at nucleotide position 1. This alters the methionine residue at the initiation codon (ATG). Variations that modify the initiation codon (ATG) are expected to result in either loss of translation initiation, N-terminal truncation, or cause a shift in the mRNA reading frame; however, there is an in-frame methionine 4 amino acids from the initiation site, which may result in N-terminal truncation of unknown functional significance. Based on the available evidence, the clinical significance of this variant remains unclear.

Labcorp Genetics (formerly Invitae), Labcorp
Classification: Uncertain significance for Oligodontia-cancer predisposition syndrome. Last evaluated: 2025-04-11. Review status: criteria provided, single submitter. Criteria: Invitae Variant Classification Sherloc (09022015). Collection method: clinical testing. Allele origin: germline.
Comment: This sequence change affects the initiator methionine of the AXIN2 mRNA. The next in-frame methionine is located at codon 5. This variant is not present in population databases (gnomAD no frequency). This variant has not been reported in the literature in individuals affected with AXIN2-related conditions. Experimental studies and prediction algorithms are not available or were not evaluated, and the functional significance of this variant is currently unknown. In summary, the available evidence is currently insufficient to determine the role of this variant in disease. Therefore, it has been classified as a Variant of Uncertain Significance.

NM_004655.4(AXIN2):c.3G>T (p.Met1Ile)

Gene: AXIN2 (axin 2; minus strand). Cytogenetic location: 17q24.1.
Variant type: single nucleotide variant.
Coding change: c.3G>T on transcript NM_004655.4 (MANE Select); coding-DNA position 3, G replaced by T.
Protein change: p.Met1Ile; changes the start codon (methionine 1).
Molecular consequence: missense variant, initiator codon variant.
Genome position (GRCh38, 1-based): chr17:65,558,618, C>A on the plus strand (G>T on the coding strand, the complement: AXIN2 is on the minus strand). VCF-style: chr17-65558618-C-A. GRCh37 (hg19) VCF-style: chr17-63554736-C-A.
Other names: c.3G>T, p.Met1Ile (NM_001363813.1); short protein forms M1I.
Identifiers: ClinVar variation 4619691 (VCV004619691.2).